The following is an entry in ClinVar:

ClinVar aggregate classification (germline): Uncertain significance (1 of 4 stars; one submission).

Conditions:
Short-rib thoracic dysplasia 10 with or without polydactyly (SRTD10). Identifiers: Orphanet 474, MedGen C3810175, MONDO:0014284, OMIM 615630.
Retinitis pigmentosa 71 (RP71). Identifiers: Orphanet 791, MedGen C4225342, MONDO:0014618, OMIM 616394.

Submission:

Labcorp Genetics (formerly Invitae), Labcorp
Classification: Uncertain significance for Retinitis pigmentosa 71; Short-rib thoracic dysplasia 10 with or without polydactyly. Last evaluated: 2022-08-16. Review status: criteria provided, single submitter. Criteria: Invitae Variant Classification Sherloc (09022015). Collection method: clinical testing. Allele origin: germline.
Comment: In summary, the available evidence is currently insufficient to determine the role of this variant in disease. Therefore, it has been classified as a Variant of Uncertain Significance. Algorithms developed to predict the effect of sequence changes on RNA splicing suggest that this variant may disrupt the consensus splice site. This variant has not been reported in the literature in individuals affected with IFT172-related conditions. This variant is not present in population databases (gnomAD no frequency). This sequence change falls in intron 8 of the IFT172 gene. It does not directly change the encoded amino acid sequence of the IFT172 protein.

NM_015662.3(IFT172):c.786-6T>G

Gene: IFT172 (intraflagellar transport 172; minus strand). Cytogenetic location: 2p23.3.
Variant type: single nucleotide variant.
Coding change: c.786-6T>G on transcript NM_015662.3 (MANE Select); 6 bases into the intron before coding-DNA position 786, T replaced by G.
Molecular consequence: intron variant.
Genome position (GRCh38, 1-based): chr2:27,480,155, A>C on the plus strand (T>G on the coding strand, the complement: IFT172 is on the minus strand). VCF-style: chr2-27480155-A-C. GRCh37 (hg19) VCF-style: chr2-27703022-A-C.
Identifiers: ClinVar variation 2114553 (VCV002114553.4), dbSNP rs2466003315, ClinGen allele CA2580066255.
Genomic context (GRCh38, chr2:27,480,155, plus strand): 5'-GGGCTTTGCCTCTTCCCAGATGCTTCTTCGAGGGATCCAGTTGAACACCCGAAGCCTGAA[A>C]TAAAGTATGTGGCTTTTAGAAGAGATTGAGGCTGAGCTAAAGAGTGCAAATGGGCTGATA-3'